The following is an entry in ClinVar:

ClinVar aggregate classification (germline): Pathogenic/Likely pathogenic. Review status: criteria provided, multiple submitters, no conflicts (2 of 4 stars). 2 submissions from 2 submitters: Pathogenic (1); Likely pathogenic (1). Last evaluated 2022-07-06.

Conditions:
Leber congenital amaurosis 2 (LCA2). Also called: Autosomal Recessive RPE65-Related Retinal Degeneration; AMAUROSIS CONGENITA OF LEBER II. Identifiers: Orphanet 65, MedGen C1859844, MONDO:0008765, OMIM 204100. Disease mechanism: loss of function.
Retinitis pigmentosa 20 (RP20). Identifiers: Orphanet 791, MedGen C3151086, MONDO:0013425, OMIM 613794.

Submissions (2):

Labcorp Genetics (formerly Invitae), Labcorp
Classification: Pathogenic for Leber congenital amaurosis 2; Retinitis pigmentosa 20. Last evaluated: 2022-07-06. Review status: criteria provided, single submitter. Criteria: Invitae Variant Classification Sherloc (09022015). Collection method: clinical testing. Allele origin: germline.
Comment: This sequence change replaces alanine, which is neutral and non-polar, with threonine, which is neutral and polar, at codon 415 of the RPE65 protein (p.Ala415Thr). This variant also falls at the last nucleotide of exon 11, which is part of the consensus splice site for this exon. For these reasons, this variant has been classified as Pathogenic. This variant is not present in population databases (gnomAD no frequency). This missense change has been observed in individual(s) with RPE65-related conditions (Invitae). In at least one individual the data is consistent with being in trans (on the opposite chromosome) from a pathogenic variant. ClinVar contains an entry for this variant (Variation ID: 801495). Algorithms developed to predict the effect of missense changes on protein structure and function are either unavailable or do not agree on the potential impact of this missense change (SIFT: "Tolerated"; PolyPhen-2: "Possibly Damaging"; Align-GVGD: "Class C0"). Variants that disrupt the consensus splice site are a relatively common cause of aberrant splicing (PMID: 17576681, 9536098). Algorithms developed to predict the effect of sequence changes on RNA splicing suggest that this variant may disrupt the consensus splice site.

Mendelics
Classification: Likely pathogenic for Leber congenital amaurosis 2. Last evaluated: 2019-05-28. Review status: criteria provided, single submitter. Criteria: Mendelics Assertion Criteria 2017. Collection method: clinical testing. Allele origin: unknown.

Literature cited by the submitters: PubMed 17576681 (cited by Labcorp Genetics (formerly Invitae), Labcorp); PubMed 9536098 (cited by Labcorp Genetics (formerly Invitae), Labcorp).

NM_000329.3(RPE65):c.1243G>A (p.Ala415Thr)

Gene: RPE65 (retinoid isomerohydrolase RPE65; minus strand). Cytogenetic location: 1p31.3.
Variant type: single nucleotide variant.
Coding change: c.1243G>A on transcript NM_000329.3 (MANE Select); coding-DNA position 1243, G replaced by A.
Protein change: p.Ala415Thr; replaces alanine 415 with threonine.
Molecular consequence: missense variant.
Genome position (GRCh38, 1-based): chr1:68,431,471, C>T on the plus strand (G>A on the coding strand, the complement: RPE65 is on the minus strand). VCF-style: chr1-68431471-C-T. GRCh37 (hg19) VCF-style: chr1-68897154-C-T.
Other names: short protein forms A415T.
Identifiers: ClinVar variation 801495 (VCV000801495.6), dbSNP rs1571158755, ClinGen allele CA340742798.